The following is an entry in ClinVar:

NM_001853.4(COL9A3):c.979C>G (p.Pro327Ala)

Gene: COL9A3 (collagen type IX alpha 3 chain; plus strand). Cytogenetic location: 20q13.33.
Variant type: single nucleotide variant.
Coding change: c.979C>G on transcript NM_001853.4 (MANE Select); coding-DNA position 979, C replaced by G.
Protein change: p.Pro327Ala; replaces proline 327 with alanine.
Molecular consequence: missense variant.
Genome position (GRCh38, 1-based): chr20:62,828,947, C>G. VCF-style: chr20-62828947-C-G. GRCh37 (hg19) VCF-style: chr20-61460299-C-G.
Other names: short protein forms P327A.
Identifiers: ClinVar variation 2800642 (VCV002800642.3), dbSNP rs559028025, ClinGen allele CA409593180.

ClinVar aggregate classification (germline): Uncertain significance (1 of 4 stars; one submission).

gnomAD v4.1: 1 of 1,611,022 alleles (0.000062%); no homozygotes.

Submission:

Labcorp Genetics (formerly Invitae), Labcorp
Classification: Uncertain significance. Last evaluated: 2024-09-17. Review status: criteria provided, single submitter. Criteria: Invitae Variant Classification Sherloc (09022015). Collection method: clinical testing. Allele origin: germline.
Comment: This sequence change replaces proline, which is neutral and non-polar, with alanine, which is neutral and non-polar, at codon 327 of the COL9A3 protein (p.Pro327Ala). This variant is not present in population databases (gnomAD no frequency). This variant has not been reported in the literature in individuals affected with COL9A3-related conditions. Invitae Evidence Modeling of protein sequence and biophysical properties (such as structural, functional, and spatial information, amino acid conservation, physicochemical variation, residue mobility, and thermodynamic stability) indicates that this missense variant is not expected to disrupt COL9A3 protein function with a negative predictive value of 95%. In summary, the available evidence is currently insufficient to determine the role of this variant in disease. Therefore, it has been classified as a Variant of Uncertain Significance.